The following is an entry in ClinVar:

ClinVar aggregate classification (germline): Uncertain significance (1 of 4 stars; one submission).

Conditions:
HNF4A-related disorder. Also called: HNF4A-related condition.

Submission:

PreventionGenetics, part of Exact Sciences
Classification: Uncertain significance for HNF4A-related condition. Last evaluated: 2023-03-06. Review status: criteria provided, single submitter. Criteria: ACMG Guidelines, 2015. Collection method: clinical testing. Allele origin: germline.
Comment: The HNF4A c.881_882delinsCC variant is predicted to result in an in-frame deletion and insertion. To our knowledge, this variant has not been reported in the literature or in a large population database, indicating this variant is rare. At this time, the clinical significance of this variant is uncertain due to the absence of conclusive functional and genetic evidence.

NM_175914.5(HNF4A):c.881_882delinsCC (p.Gln294Pro)

Gene: HNF4A (hepatocyte nuclear factor 4 alpha; plus strand). Cytogenetic location: 20q13.12.
Variant type: Indel.
Coding change: c.881_882delinsCC on transcript NM_175914.5 (MANE Select); coding-DNA positions 881 to 882, AG replaced by CC.
Protein change: p.Gln294Pro; replaces glutamine 294 with proline.
Molecular consequence: missense variant.
Genome position (GRCh38, 1-based): chr20:44,424,072-44,424,073, AG replaced by CC. VCF-style: chr20-44424072-AG-CC. GRCh37 (hg19) VCF-style: chr20-43052712-AG-CC.
Other names: c.947_948delinsCC, p.Gln316Pro (NM_000457.6, NM_178849.3, NM_178850.3); c.881_882delinsCC, p.Gln294Pro (NM_001030003.3, NM_001030004.3); c.926_927delinsCC, p.Gln309Pro (NM_001258355.2); c.872_873delinsCC, p.Gln291Pro (NM_001287182.2, NM_001287183.2, NM_001287184.2); c.881_882delAGinsCC, p.Gln294Pro (NM_175914.4); short protein forms Q291P, Q294P, Q309P, Q316P.
Identifiers: ClinVar variation 2633381 (VCV002633381.1), dbSNP rs2515713854, ClinGen allele CA2695201400.
Genomic context (GRCh38, chr20:44,424,072, plus strand): 5'-TTGTAGATGCCAAGGGGCTGAGCGATCCAGGGAAGATCAAGCGGCTGCGTTCCCAGGTGC[AG>CC]GTGAGCTTGGAGGACTACATCAACGACCGCCAGTATGACTCGCGTGGCCGCTTTGGAGAG-3'
Protein context (NP_787110.2, residues 284-304): GKIKRLRSQV[Gln294Pro]VSLEDYINDR